The following is an entry in ClinVar:

NM_000435.3(NOTCH3):c.3719-8T>C

Gene: NOTCH3 (notch receptor 3; minus strand). Cytogenetic location: 19p13.12.
Variant type: single nucleotide variant.
Coding change: c.3719-8T>C on transcript NM_000435.3 (MANE Select); 8 bases into the intron before coding-DNA position 3719, T replaced by C.
Molecular consequence: intron variant.
Genome position (GRCh38, 1-based): chr19:15,178,949, A>G on the plus strand (T>C on the coding strand, the complement: NOTCH3 is on the minus strand). VCF-style: chr19-15178949-A-G. GRCh37 (hg19) VCF-style: chr19-15289760-A-G.
Other names: p.?.
Identifiers: ClinVar variation 2729543 (VCV002729543.5), dbSNP rs367871895, ClinGen allele CA9262991.

ClinVar aggregate classification (germline): Likely benign. Review status: criteria provided, multiple submitters, no conflicts (2 of 4 stars). 3 submissions from 3 submitters: Likely benign (3). Last evaluated 2025-09-25.

Allele frequency attached by ClinVar (database versions not stated): ExAC 0.00001; gnomAD 0.00002; TOPMed 0.00006; ESP Exome Variant Server 0.00015.
gnomAD v4.1: 82 of 1,613,924 alleles (0.0051%); highest among the groups gnomAD compares: Non-Finnish European, 0.0067%; no homozygotes.

Submissions (3):

Mayo Clinic Laboratories, Mayo Clinic
Classification: Likely benign. Last evaluated: 2025-09-25. Review status: criteria provided, single submitter. Criteria: ACMG Guidelines, 2015. Collection method: clinical testing. Allele origin: germline. Observed: 2 variant alleles.
Comment: BP4, BP7

Labcorp Genetics (formerly Invitae), Labcorp
Classification: Likely benign. Last evaluated: 2025-04-09. Review status: criteria provided, single submitter. Criteria: Invitae Variant Classification Sherloc (09022015). Collection method: clinical testing. Allele origin: germline.

Blueprint Genetics
Classification: Likely benign. Last evaluated: 2021-08-02. Review status: criteria provided, single submitter. Criteria: ACMG Guidelines, 2015. Collection method: clinical testing. Allele origin: germline.